The following is an entry in ClinVar:

NM_001367624.2(ZNF469):c.2512G>A (p.Ala838Thr)

Gene: ZNF469 (zinc finger protein 469; plus strand). Cytogenetic location: 16q24.2.
Variant type: single nucleotide variant.
Coding change: c.2512G>A on transcript NM_001367624.2 (MANE Select); coding-DNA position 2512, G replaced by A.
Protein change: p.Ala838Thr; replaces alanine 838 with threonine.
Molecular consequence: missense variant.
Genome position (GRCh38, 1-based): chr16:88,429,982, G>A. VCF-style: chr16-88429982-G-A. GRCh37 (hg19) VCF-style: chr16-88496390-G-A.
Other names: NM_001127464.1:c.2512G>A; short protein forms A838T.
Identifiers: ClinVar variation 3232775 (VCV003232775.1), dbSNP rs2507579024, ClinGen allele CA397072712.
Genomic context (GRCh38, chr16:88,429,982, plus strand): 5'-CCCAGCCTGGCCGCCACCCCCTTCCCGCTCCCTGCCTCGGACCTGGACATGGAGGATGAC[G>A]CCAAGCTGGACAGCCTCATCACAGAGGCGCTCAACGGCATGGAGTACCAGTCGGACAACC-3'
Protein context (NP_001354553.1, residues 828-848): PASDLDMEDD[Ala838Thr]KLDSLITEAL

ClinVar aggregate classification (germline): Uncertain significance (1 of 4 stars; one submission).

Conditions:
Cardiovascular phenotype. Identifiers: MedGen CN230736.

Submission:

Ambry Genetics
Classification: Uncertain significance for Cardiovascular phenotype. Last evaluated: 2024-01-01. Review status: criteria provided, single submitter. Criteria: Ambry Variant Classification Scheme 2023. Collection method: clinical testing. Allele origin: germline.
Comment: The p.A838T variant (also known as c.2512G>A), located in coding exon 1 of the ZNF469 gene, results from a G to A substitution at nucleotide position 2512. The alanine at codon 838 is replaced by threonine, an amino acid with similar properties. This amino acid position is conserved. In addition, this alteration is predicted to be tolerated by in silico analysis. Since supporting evidence is limited at this time, the clinical significance of this alteration remains unclear.